The following is an entry in ClinVar:

NM_022455.5(NSD1):c.5759G>C (p.Cys1920Ser)

Gene: NSD1 (nuclear receptor binding SET domain protein 1; plus strand). Cytogenetic location: 5q35.3.
Variant type: single nucleotide variant.
Coding change: c.5759G>C on transcript NM_022455.5 (MANE Select); coding-DNA position 5759, G replaced by C.
Protein change: p.Cys1920Ser; replaces cysteine 1920 with serine.
Molecular consequence: missense variant.
Genome position (GRCh38, 1-based): chr5:177,280,701, G>C. VCF-style: chr5-177280701-G-C. GRCh37 (hg19) VCF-style: chr5-176707702-G-C.
Other names: c.4997G>C, p.Cys1666Ser (NM_001409307.1, NM_001409306.1); c.4886G>C, p.Cys1629Ser (NM_001409308.1, NM_001409309.1, NM_172349.5 and 1 more transcripts); c.5759G>C, p.Cys1920Ser (NM_001409301.1, NM_001409302.1, NM_001409303.1); c.5339G>C, p.Cys1780Ser (NM_001409304.1); c.5006G>C, p.Cys1669Ser (NM_001409305.1); short protein forms C1629S, C1669S, C1920S, C1666S, C1780S.
Identifiers: ClinVar variation 3651090 (VCV003651090.2).

ClinVar aggregate classification (germline): Pathogenic (1 of 4 stars; one submission).

Submission:

Labcorp Genetics (formerly Invitae), Labcorp
Classification: Pathogenic. Last evaluated: 2024-09-01. Review status: criteria provided, single submitter. Criteria: Invitae Variant Classification Sherloc (09022015). Collection method: clinical testing. Allele origin: germline.
Comment: This sequence change replaces cysteine, which is neutral and slightly polar, with serine, which is neutral and polar, at codon 1920 of the NSD1 protein (p.Cys1920Ser). This variant is not present in population databases (gnomAD no frequency). This missense change has been observed in individual(s) with clinical features of Sotos syndrome (internal data). In at least one individual the variant was observed to be de novo. Invitae Evidence Modeling of protein sequence and biophysical properties (such as structural, functional, and spatial information, amino acid conservation, physicochemical variation, residue mobility, and thermodynamic stability) indicates that this missense variant is expected to disrupt NSD1 protein function with a positive predictive value of 95%. Experimental studies are conflicting or provide insufficient evidence to determine the effect of this variant on NSD1 function (PMID: 12805229). For these reasons, this variant has been classified as Pathogenic.

Literature cited by the submitters: PubMed 12805229.